The following is an entry in ClinVar:

NM_000321.3(RB1):c.-155G>C

Gene: RB1 (RB transcriptional corepressor 1; plus strand). Cytogenetic location: 13q14.2.
Variant type: single nucleotide variant.
Coding change: c.-155G>C on transcript NM_000321.3 (MANE Select); 155 bases upstream of the start codon, G replaced by C.
Molecular consequence: 5 prime UTR variant.
Genome position (GRCh38, 1-based): chr13:48,303,758, G>C. VCF-style: chr13-48303758-G-C. GRCh37 (hg19) VCF-style: chr13-48877894-G-C.
Identifiers: ClinVar variation 882643 (VCV000882643.5), dbSNP rs1952049136, ClinGen allele CA1139663280.

ClinVar aggregate classification (germline): Uncertain significance. Review status: criteria provided, multiple submitters, no conflicts (2 of 4 stars). 2 submissions from 2 submitters: Uncertain significance (2). Last evaluated 2025-02-10.

Conditions:
Retinoblastoma (RB1). Also called: RETINOBLASTOMA, SOMATIC. Identifiers: Orphanet 790, MedGen C0035335, MeSH D012175, MONDO:0008380, OMIM 180200, HP:0009919. Disease mechanism: loss of function. Inheritance: Both sporadic and heritable forms are tested..

gnomAD v4.1: 1 of 1,205,354 alleles (0.000083%); highest among the groups gnomAD compares: Non-Finnish European, 0.00011%; no homozygotes.

Submissions (2):

Labcorp Genetics (formerly Invitae), Labcorp
Classification: Uncertain significance for Retinoblastoma. Last evaluated: 2025-02-10. Review status: criteria provided, single submitter. Criteria: Invitae Variant Classification Sherloc (09022015). Collection method: clinical testing. Allele origin: germline.
Comment: This variant occurs in a non-coding region of the RB1 gene. It does not change the encoded amino acid sequence of the RB1 protein. This variant is not present in population databases (gnomAD no frequency). This variant has not been reported in the literature in individuals affected with RB1-related conditions. ClinVar contains an entry for this variant (Variation ID: 882643). In summary, the available evidence is currently insufficient to determine the role of this variant in disease. Therefore, it has been classified as a Variant of Uncertain Significance.

Illumina Laboratory Services, Illumina
Classification: Uncertain significance for Retinoblastoma. Last evaluated: 2018-04-06. Review status: criteria provided, single submitter. Criteria: ICSL Variant Classification Criteria 13 December 2019. Collection method: clinical testing. Allele origin: germline.